The following is an entry in ClinVar:

ClinVar aggregate classification (germline): Uncertain significance (1 of 4 stars; one submission).

Submission:

CeGaT Center for Human Genetics Tuebingen
Classification: Uncertain significance. Last evaluated: 2024-01-01. Review status: criteria provided, single submitter. Criteria: CeGaT Center For Human Genetics Tuebingen Variant Classification Criteria Version 2. Collection method: clinical testing. Allele origin: germline. Affected: yes. Observed: 1 variant allele.
Comment: EHMT1: PM2, PVS1:Moderate, PS2:Supporting

NM_024757.5(EHMT1):c.3808del (p.Leu1270fs)

Gene: EHMT1 (euchromatic histone lysine methyltransferase 1; plus strand). Cytogenetic location: 9q34.3.
Variant type: Deletion.
Coding change: c.3808del on transcript NM_024757.5 (MANE Select); coding-DNA position 3808, one base deleted (C; older notation c.3808delC).
Protein change: p.Leu1270fs; shifts the reading frame from leucine 1270.
Molecular consequence: frameshift variant.
Genome position (GRCh38, 1-based): chr9:137,834,864, C deleted; the last of 3 consecutive C bases (chr9:137,834,862-137,834,864); deleting any one gives the same sequence. VCF-style (leftmost placement, unchanged base first): chr9-137834861-GC-G. GRCh37 (hg19) VCF-style: chr9-140729313-GC-G.
Other names: c.3787del, p.Leu1263fs (NM_001354263.2); short protein forms L1263fs, L1270fs.
Identifiers: ClinVar variation 2659841 (VCV002659841.24), dbSNP rs2539006247, ClinGen allele CA2695199445.
Genomic context (GRCh38, chr9:137,834,861, plus strand): 5'-ATCAAAGGCAAGCTCTTCAGCTGCCGCTGCGGCTCCCCCAAGTGCCGGCACTCGAGCGCG[GC>G]CCTGGCCCAGCGTCAGGCCAGCGCGGCCCAGGAGGCCCAGGAGGACGGCTTGCCCGACAC-3'